The following is an entry in ClinVar:

ClinVar aggregate classification (germline): Pathogenic. Review status: criteria provided, multiple submitters, no conflicts (2 of 4 stars). 9 submissions from 9 submitters: Pathogenic (5). 4 of the submissions do not count toward it. Last evaluated 2024-03-25.

Conditions:
Glucose-6-phosphate transport defect (GSD1B). Also called: Glycogen Storage Disease Type Ib; GSD Ib. Identifiers: Orphanet 364, Orphanet 79259, MedGen C0268146, MONDO:0009288, OMIM 232220.
Congenital disorder of glycosylation, type IIw. Identifiers: MedGen C5561986, MONDO:0030437, OMIM 619525.
Phosphate transport defect (GSD1C). Also called: GSD Ic; GLYCOGEN STORAGE DISEASE Ic. Identifiers: Orphanet 364, Orphanet 79259, MedGen C0342749, OMIM 232240.

Allele frequency attached by ClinVar (database versions not stated): gnomAD exomes 0.00001; ExAC 0.00002.

Submissions (9):

Baylor Genetics
Classification: Pathogenic for Glucose-6-phosphate transport defect. Last evaluated: 2024-03-25. Review status: criteria provided, single submitter. Criteria: ACMG Guidelines, 2015. Collection method: clinical testing. Allele origin: unknown.

Labcorp Genetics (formerly Invitae), Labcorp
Classification: Pathogenic for Glucose-6-phosphate transport defect. Last evaluated: 2023-09-22. Review status: criteria provided, single submitter. Criteria: Invitae Variant Classification Sherloc (09022015). Collection method: clinical testing. Allele origin: germline.
Comment: For these reasons, this variant has been classified as Pathogenic. This variant disrupts the p.Arg28 amino acid residue in SLC37A4. Other variant(s) that disrupt this residue have been observed in individuals with SLC37A4-related conditions (PMID: 10026167, 10518030, 27066451, 28224773), which suggests that this may be a clinically significant amino acid residue. Experimental studies have shown that this missense change affects SLC37A4 function (PMID: 10026167, 12444104, 18337460, 18835800). Advanced modeling of protein sequence and biophysical properties (such as structural, functional, and spatial information, amino acid conservation, physicochemical variation, residue mobility, and thermodynamic stability) performed at Invitae indicates that this missense variant is expected to disrupt SLC37A4 protein function. ClinVar contains an entry for this variant (Variation ID: 6933). This missense change has been observed in individuals with autosomal recessive glycogen storage disease (PMID: 10026167, 27066451, 28224773). This variant is present in population databases (rs121908978, gnomAD 0.007%). This sequence change replaces arginine, which is basic and polar, with histidine, which is basic and polar, at codon 28 of the SLC37A4 protein (p.Arg28His).

Neuberg Centre For Genomic Medicine, NCGM
Classification: Pathogenic for Glucose-6-phosphate transport defect. Last evaluated: 2023-06-02. Review status: criteria provided, single submitter. Criteria: ACMG Guidelines, 2015. Collection method: clinical testing. Allele origin: germline. Inheritance: Autosomal recessive inheritance. Affected: yes.
Comment: The observed missense variant c.83G>A(p.Arg28His) in SLC37A4 gene has been reported previously in multiple individual(s) with Glycogen Storage Disease Ib (Choi R, et al., 2017; Lee KJ, et al., 2016). This variant is present in a mutational hotspot. A different missense variant (c.82C>T, p.Arg28Cys) affecting the same position has been previously reported as a pathogenic variant (Jun HS, et al., 2014). This variant is reported with the allele frequency 0.001% in the gnomAD Exomes. This variant has been reported to the ClinVar database as Pathogenic/Likely Pathogenic by multiple submitters. The amino acid Arg at position 28 is changed to a His changing protein sequence and it might alter its composition and physico-chemical properties. Computational evidence (SIFT – Damaging) predict a damaging effect on protein structure and function for this variant. The residue is conserved by GERP++ and PhyloP across 100 vertebrates. For these reasons, this variant has been classified as Pathogenic.

Revvity Omics, Revvity
Classification: Pathogenic. Last evaluated: 2022-02-26. Review status: criteria provided, single submitter. Criteria: ACMG Guidelines, 2015. Collection method: clinical testing. Allele origin: germline.

Fulgent Genetics
Classification: Pathogenic for Glucose-6-phosphate transport defect; Phosphate transport defect; Congenital disorder of glycosylation, type IIw. Last evaluated: 2021-11-10. Review status: criteria provided, single submitter. Criteria: ACMG Guidelines, 2015. Collection method: clinical testing. Allele origin: unknown.

Natera, Inc.
Classification: Pathogenic for Glycogen storage disease type Ib. Last evaluated: 2020-09-16. Review status: no assertion criteria provided. Collection method: clinical testing. Allele origin: germline. Not counted in ClinVar's aggregate classification.

Counsyl
Classification: Likely pathogenic for Glucose-6-phosphate transport defect. Last evaluated: 2017-08-18. Review status: no assertion criteria provided. Collection method: clinical testing. Allele origin: unknown. Not counted in ClinVar's aggregate classification.

OMIM
Classification: Pathogenic for GLYCOGEN STORAGE DISEASE Ib. Last evaluated: 1999-02-26. Review status: no assertion criteria provided. Collection method: literature only. Allele origin: germline. Not counted in ClinVar's aggregate classification.

UniProtKB/Swiss-Prot
No classification provided. Review status: no classification provided. Collection method: not provided. Allele origin: germline. Not counted in ClinVar's aggregate classification.

Literature cited by the submitters: PubMed 10026167 (cited by 3 submitters); PubMed 10518030 (cited by Labcorp Genetics (formerly Invitae), Labcorp); PubMed 27066451 (cited by Labcorp Genetics (formerly Invitae), Labcorp); PubMed 28224773 (cited by Labcorp Genetics (formerly Invitae), Labcorp and Counsyl); PubMed 12444104 (cited by Labcorp Genetics (formerly Invitae), Labcorp); PubMed 18337460 (cited by Labcorp Genetics (formerly Invitae), Labcorp and Counsyl); PubMed 18835800 (cited by Labcorp Genetics (formerly Invitae), Labcorp); PubMed 25982172 (cited by Counsyl); PubMed 10940311 (cited by Counsyl); PubMed 17307551 (cited by Counsyl).

NM_001164277.2(SLC37A4):c.83G>A (p.Arg28His)

Gene: SLC37A4 (solute carrier family 37 member 4; minus strand). Cytogenetic location: 11q23.3.
Variant type: single nucleotide variant.
Coding change: c.83G>A on transcript NM_001164277.2 (MANE Select); coding-DNA position 83, G replaced by A.
Protein change: p.Arg28His; replaces arginine 28 with histidine.
Molecular consequence: missense variant. On other transcripts: intron variant (1).
Genome position (GRCh38, 1-based): chr11:119,029,287, C>T on the plus strand (G>A on the coding strand, the complement: SLC37A4 is on the minus strand). VCF-style: chr11-119029287-C-T. GRCh37 (hg19) VCF-style: chr11-118899997-C-T.
Other names: c.83G>A, p.Arg28His (NM_001164278.2, NM_001164280.2, NM_001467.6); c.-172+105G>A (NM_001164279.2); short protein forms R28H.
Identifiers: ClinVar variation 6933 (VCV000006933.18), dbSNP rs121908978, ClinGen allele CA219358.